The following is an entry in ClinVar:

ClinVar aggregate classification (germline): Uncertain significance. Review status: criteria provided, multiple submitters, no conflicts (2 of 4 stars). 3 submissions from 3 submitters: Uncertain significance (3). Last evaluated 2024-09-12.

Conditions:
Geroderma osteodysplastica (GO). Also called: WALT DISNEY DWARFISM; Geroderma osteodysplasticum. Identifiers: Orphanet 2078, MedGen C0432255, MONDO:0009271, OMIM 231070.

Submissions (3):

Labcorp Genetics (formerly Invitae), Labcorp
Classification: Uncertain significance. Last evaluated: 2024-09-12. Review status: criteria provided, single submitter. Criteria: Invitae Variant Classification Sherloc (09022015). Collection method: clinical testing. Allele origin: germline.
Comment: This sequence change replaces arginine, which is basic and polar, with proline, which is neutral and non-polar, at codon 248 of the GORAB protein (p.Arg248Pro). This variant is not present in population databases (gnomAD no frequency). This variant has not been reported in the literature in individuals affected with GORAB-related conditions. ClinVar contains an entry for this variant (Variation ID: 373296). An algorithm developed to predict the effect of missense changes on protein structure and function (PolyPhen-2) suggests that this variant is likely to be disruptive. In summary, the available evidence is currently insufficient to determine the role of this variant in disease. Therefore, it has been classified as a Variant of Uncertain Significance.

Genome-Nilou Lab
Classification: Uncertain significance for Geroderma osteodysplastica. Last evaluated: 2023-04-11. Review status: criteria provided, single submitter. Criteria: ACMG Guidelines, 2015. Collection method: clinical testing. Allele origin: germline. Affected: no.

GeneDx
Classification: Uncertain significance. Last evaluated: 2016-11-28. Review status: criteria provided, single submitter. Criteria: GeneDx Variant Classification (06012015). Collection method: clinical testing. Allele origin: germline. Affected: yes.
Comment: The R248P variant in the GORAB gene has not been reported previously as a pathogenic variant, nor as a benign variant, to our knowledge. The R248P variant was not observed in approximately 6500 individuals of European and African American ancestry in the NHLBI Exome Sequencing Project, indicating it is not a common benign variant in these populations. The R248P variant is a non-conservative amino acid substitution, which is likely to impact secondary protein structure as these residues differ in polarity, charge, size and/or other properties. This substitution occurs at a position that is conserved across species. In silico analysis predicts this variant is probably damaging to the protein structure/function. A missense variant in a nearby residue (A245P) has been reported in the Human Gene Mutation Database in association with geroderma osteodysplasticum (Stenson et al., 2014), supporting the functional importance of this region of the protein. We interpret R248P as a variant of uncertain significance.

NM_152281.3(GORAB):c.668G>C (p.Arg223Pro)

Gene: GORAB (golgin, RAB6 interacting; plus strand). Cytogenetic location: 1q24.2.
Variant type: single nucleotide variant.
Coding change: c.668G>C on transcript NM_152281.3 (MANE Select); coding-DNA position 668, G replaced by C.
Protein change: p.Arg223Pro; replaces arginine 223 with proline.
Molecular consequence: missense variant. On other transcripts: non-coding transcript variant (1).
Genome position (GRCh38, 1-based): chr1:170,552,020, G>C. VCF-style: chr1-170552020-G-C. GRCh37 (hg19) VCF-style: chr1-170521161-G-C.
Other names: c.203G>C, p.Arg68Pro (NM_001320252.2); short protein forms R248P, R68P, R223P.
Identifiers: ClinVar variation 373296 (VCV000373296.6), dbSNP rs564838793, ClinGen allele CA16042291.